The following is an entry in ClinVar:

ClinVar aggregate classification (germline): Likely benign. Review status: criteria provided, multiple submitters, no conflicts (2 of 4 stars). 2 submissions from 2 submitters: Likely benign (2). Last evaluated 2026-07-01.

Allele frequency attached by ClinVar (database versions not stated): gnomAD 0.00001; gnomAD exomes 0.00001; TOPMed 0.00001; ExAC 0.00002.

Submissions (2):

CeGaT Center for Human Genetics Tuebingen
Classification: Likely benign. Last evaluated: 2026-07-01. Review status: criteria provided, single submitter. Criteria: CeGaT Center For Human Genetics Tuebingen Variant Classification Criteria Version 2. Collection method: clinical testing. Allele origin: germline. Affected: yes. Observed: 1 variant allele.
Comment: POLH: BP4, BP7

Labcorp Genetics (formerly Invitae), Labcorp
Classification: Likely benign. Last evaluated: 2026-01-28. Review status: criteria provided, single submitter. Criteria: Invitae Variant Classification Sherloc (09022015). Collection method: clinical testing. Allele origin: germline.

NM_006502.3(POLH):c.1750C>T (p.Leu584=)

Gene: POLH (DNA polymerase eta; plus strand). Cytogenetic location: 6p21.1.
Variant type: single nucleotide variant.
Coding change: c.1750C>T on transcript NM_006502.3 (MANE Select); coding-DNA position 1750, C replaced by T.
Protein change: p.Leu584=; no amino-acid change (leucine 584 retained).
Molecular consequence: synonymous variant. On other transcripts: 3 prime UTR variant (1).
Genome position (GRCh38, 1-based): chr6:43,614,165, C>T. VCF-style: chr6-43614165-C-T. GRCh37 (hg19) VCF-style: chr6-43581902-C-T.
Other names: c.1378C>T, p.Leu460= (NM_001291969.2); c.*434C>T (NM_001291970.2).
Identifiers: ClinVar variation 2416709 (VCV002416709.44), dbSNP rs753683413, ClinGen allele CA3827302.